The following is an entry in ClinVar:

ClinVar aggregate classification (germline): Uncertain significance (1 of 4 stars; one submission).

Conditions:
Atrioventricular septal defect 4 (AVSD4). Identifiers: MedGen C3280781, MONDO:0013747, OMIM 614430.

Submission:

Labcorp Genetics (formerly Invitae), Labcorp
Classification: Uncertain significance for Atrioventricular septal defect 4. Last evaluated: 2024-10-12. Review status: criteria provided, single submitter. Criteria: Invitae Variant Classification Sherloc (09022015). Collection method: clinical testing. Allele origin: germline.
Comment: This sequence change replaces proline, which is neutral and non-polar, with serine, which is neutral and polar, at codon 413 of the GATA4 protein (p.Pro413Ser). This variant is not present in population databases (gnomAD no frequency). This variant has not been reported in the literature in individuals affected with GATA4-related conditions. Invitae Evidence Modeling of protein sequence and biophysical properties (such as structural, functional, and spatial information, amino acid conservation, physicochemical variation, residue mobility, and thermodynamic stability) indicates that this missense variant is not expected to disrupt GATA4 protein function with a negative predictive value of 95%. In summary, the available evidence is currently insufficient to determine the role of this variant in disease. Therefore, it has been classified as a Variant of Uncertain Significance.

NM_001308093.3(GATA4):c.1240C>T (p.Pro414Ser)

Gene: GATA4 (GATA binding protein 4). Cytogenetic location: 8p23.1.
Variant type: single nucleotide variant.
Coding change: c.1240C>T on transcript NM_001308093.3 (MANE Select); coding-DNA position 1240, C replaced by T.
Protein change: p.Pro414Ser; replaces proline 414 with serine.
Molecular consequence: missense variant.
Genome position (GRCh38, 1-based): chr8:11,758,383, C>T. VCF-style: chr8-11758383-C-T. GRCh37 (hg19) VCF-style: chr8-11615892-C-T.
Other names: c.619C>T, p.Pro207Ser (NM_001308094.2, NM_001374273.1); c.493C>T, p.Pro165Ser (NM_001374274.1); c.1237C>T, p.Pro413Ser (NM_002052.5); short protein forms P207S, P165S, P413S, P414S.
Identifiers: ClinVar variation 3721163 (VCV003721163.2).
Genomic context (GRCh38, chr8:11,758,383, plus strand): 5'-GGGCCCTCCATCCACCCTGTCCTCTCGGCCCTGAAGCTCTCCCCACAAGGCTATGCGTCT[C>T]CCGTCAGCCAGTCTCCACAGACCAGCTCCAAGCAGGACTCTTGGAACAGCCTGGTCTTGG-3'
Protein context (NP_001295022.1, residues 404-424): LKLSPQGYAS[Pro414Ser]VSQSPQTSSK